The following is an entry in ClinVar:

ClinVar aggregate classification (germline): Pathogenic. Review status: criteria provided, multiple submitters, no conflicts (2 of 4 stars). 2 submissions from 2 submitters: Pathogenic (2). Last evaluated 2024-02-16.

Conditions:
Early-infantile DEE. Also called: Early infantile epileptic encephalopathy; Ohtahara syndrome; Early infantile epileptic encephalopathy with suppression bursts. Identifiers: Orphanet 1934, MedGen C0393706, MONDO:0800491.
Severe myoclonic epilepsy in infancy (DRVT). Also called: Epileptic encephalopathy, early infantile, 6 (Dravet syndrome); SEVERE MYOCLONIC EPILEPSY OF INFANCY; DEVELOPMENTAL AND EPILEPTIC ENCEPHALOPATHY 6A; Severe Myoclonic Epilepsy in Infancy (SMEI); Dravet syndrome. Identifiers: Orphanet 33069, MedGen C0751122, MONDO:0100135, OMIM 607208.

Submissions (2):

Labcorp Genetics (formerly Invitae), Labcorp
Classification: Pathogenic for Early-infantile DEE. Last evaluated: 2024-02-16. Review status: criteria provided, single submitter. Criteria: Invitae Variant Classification Sherloc (09022015). Collection method: clinical testing. Allele origin: germline.
Comment: This sequence change replaces threonine, which is neutral and polar, with arginine, which is basic and polar, at codon 1300 of the SCN1A protein (p.Thr1300Arg). This variant is not present in population databases (gnomAD no frequency). This missense change has been observed in individual(s) with Dravet syndrome (PMID: 26096185). In at least one individual the variant was observed to be de novo. ClinVar contains an entry for this variant (Variation ID: 189968). Advanced modeling of protein sequence and biophysical properties (such as structural, functional, and spatial information, amino acid conservation, physicochemical variation, residue mobility, and thermodynamic stability) performed at Invitae indicates that this missense variant is expected to disrupt SCN1A protein function with a positive predictive value of 95%. For these reasons, this variant has been classified as Pathogenic.

Center for Bioinformatics, Peking University
Classification: Pathogenic for Dravet syndrome. Last evaluated: 2014-12-20. Review status: criteria provided, single submitter. Criteria: Xu et al. (Hum Mutat. 2015). Collection method: research. Allele origin: de novo. Affected: yes. Observed: 1 variant allele. Study: University Clinical Cooperation “985 Project” PKU-2014-1-1.
Comment: Dravet syndrome (DS) probands were recruited from the outpatient and inpatient child neurology units of Peking University First Hospital from 2005 till present. The study was approved by the Ethics Committee of Peking University First Hospital and the Institutional Review Board at Peking University. Participants or their parents provided written informed consent before enrollment. We collected a total of 267 mutations from 255 families with probands diagnosed with DS in China. All probands fulfilled the clinical diagnostic criteria.

Literature cited by the submitters: PubMed 26096185 (cited by Labcorp Genetics (formerly Invitae), Labcorp).

NM_001165963.4(SCN1A):c.3899C>G (p.Thr1300Arg)

Genes: SCN1A (sodium voltage-gated channel alpha subunit 1; minus strand), LOC102724058 (uncharacterized LOC102724058; plus strand). Cytogenetic location: 2q24.3.
Variant type: single nucleotide variant.
Coding change: c.3899C>G on transcript NM_001165963.4 (MANE Select); coding-DNA position 3899, C replaced by G.
Protein change: p.Thr1300Arg; replaces threonine 1300 with arginine.
Molecular consequence: missense variant. On other transcripts: non-coding transcript variant (1).
Genome position (GRCh38, 1-based): chr2:166,009,822, G>C on the plus strand (C>G on the coding strand, the complement: SCN1A is on the minus strand). VCF-style: chr2-166009822-G-C. GRCh37 (hg19) VCF-style: chr2-166866332-G-C.
Other names: c.3815C>G, p.Thr1272Arg (NM_001165964.3, NM_001353957.2, NM_001353958.2); c.3899C>G, p.Thr1300Arg (NM_001202435.3, NM_001353948.2); c.3866C>G, p.Thr1289Arg (NM_001353949.2, NM_001353950.2, NM_001353951.2 and 2 more transcripts); c.3863C>G, p.Thr1288Arg (NM_001353954.2, NM_001353955.2); c.3812C>G, p.Thr1271Arg (NM_001353960.2); c.1457C>G, p.Thr486Arg (NM_001353961.2); short protein forms T1289R, T1300R, T1272R, T1288R, T1271R, T486R.
Identifiers: ClinVar variation 189968 (VCV000189968.3), dbSNP rs146878122, ClinGen allele CA303438.